The following is an entry in ClinVar:

NC_000003.12:g.169764946A>C

Genes: TERC (telomerase RNA component; minus strand), LOC110806306 (telomerase RNA component (TERC) promoter; plus strand). Cytogenetic location: 3q26.2.
Variant type: single nucleotide variant.
Genome position: GRCh38 VCF-style: chr3-169764946-A-C. GRCh37 (hg19) VCF-style: chr3-169482734-A-C.
Identifiers: ClinVar variation 937919 (VCV000937919.10), dbSNP rs1777963295, ClinGen allele CA436715757.

ClinVar aggregate classification (germline): Uncertain significance (1 of 4 stars; one submission).

Conditions:
Dyskeratosis congenita, autosomal dominant 1 (DKCA1). Also called: Dyskeratosis congenita Scoggins type. Identifiers: Orphanet 1775, MedGen C4551974, MONDO:0007485, OMIM 127550. Inheritance: Variable.

Submission:

Labcorp Genetics (formerly Invitae), Labcorp
Classification: Uncertain significance for Dyskeratosis congenita, autosomal dominant 1. Last evaluated: 2019-10-15. Review status: criteria provided, single submitter. Criteria: Invitae Variant Classification Sherloc (09022015). Collection method: clinical testing. Allele origin: germline.
Comment: This variant occurs in the TERC gene, which encodes an RNA molecule that does not result in a protein product. This variant is not present in population databases (ExAC no frequency). This variant has not been reported in the literature in individuals with TERC-related conditions. This variant is located within the template/pseudoknot domain of the TERC RNA component, which is required for RNA or RNP stability (PMID: 15082312, 21844345). Functional studies testing the effect of this variant on TERC secondary structure or function have not been reported. In summary, the available evidence is currently insufficient to determine the role of this variant in disease. Therefore, it has been classified as a Variant of Uncertain Significance.

Literature cited by the submitters: PubMed 15082312; PubMed 21844345.